The following is an entry in ClinVar:

ClinVar aggregate classification (germline): Conflicting classifications of pathogenicity. Review status: criteria provided, conflicting classifications (1 of 4 stars). 4 submissions from 4 submitters: Uncertain significance (2); Likely benign (2). Last evaluated 2026-08-05.

Conditions:
Inborn genetic diseases. Identifiers: MedGen C0950123, MeSH D030342.
VCAN-related disorder. Also called: VCAN-related condition.

Allele frequency attached by ClinVar (database versions not stated): gnomAD exomes 0.00002 and 0.00008; ExAC 0.00012; TOPMed 0.00026; gnomAD 0.00028; ESP Exome Variant Server 0.00054; 1000 Genomes Project 30x 0.00094; 1000 Genomes Project 0.00100.
gnomAD v4.1: 76 of 1,614,090 alleles (0.0047%); highest among the groups gnomAD compares: African/African-American, 0.087%; no homozygotes.

Submissions (4):

PreventionGenetics, part of Exact Sciences
Classification: Uncertain significance for VCAN-related condition. Last evaluated: 2026-08-05. Review status: criteria provided, single submitter. Criteria: ACMG Guidelines, 2015. Collection method: clinical testing. Allele origin: germline.
Comment: The VCAN c.8873C>T variant is predicted to result in the amino acid substitution p.Thr2958Ile. To our knowledge, this variant has not been reported in the literature. This variant is reported in 0.12% of alleles in individuals of African descent in gnomAD. At this time, the clinical significance of this variant is uncertain due to the absence of conclusive functional and genetic evidence.

Ambry Genetics
Classification: Uncertain significance for Inborn genetic diseases. Last evaluated: 2025-10-28. Review status: criteria provided, single submitter. Criteria: Ambry Variant Classification Scheme 2023. Collection method: clinical testing. Allele origin: germline.

Labcorp Genetics (formerly Invitae), Labcorp
Classification: Likely benign. Last evaluated: 2025-10-23. Review status: criteria provided, single submitter. Criteria: Invitae Variant Classification Sherloc (09022015). Collection method: clinical testing. Allele origin: germline.

Blueprint Genetics
Classification: Likely benign. Last evaluated: 2024-07-15. Review status: criteria provided, single submitter. Criteria: ACMG Guidelines, 2015. Collection method: clinical testing. Allele origin: germline.

NM_004385.5(VCAN):c.8873C>T (p.Thr2958Ile)

Genes: VCAN (versican; plus strand), VCAN-AS1 (VCAN antisense RNA 1; minus strand). Cytogenetic location: 5q14.3.
Variant type: single nucleotide variant.
Coding change: c.8873C>T on transcript NM_004385.5 (MANE Select); coding-DNA position 8873, C replaced by T.
Protein change: p.Thr2958Ile; replaces threonine 2958 with isoleucine.
Molecular consequence: missense variant. On other transcripts: intron variant (2).
Genome position (GRCh38, 1-based): chr5:83,541,876, C>T. VCF-style: chr5-83541876-C-T. GRCh37 (hg19) VCF-style: chr5-82837695-C-T.
Other names: c.5912C>T, p.Thr1971Ile (NM_001164097.2); c.4004-3661C>T (NM_001164098.2); c.1043-3661C>T (NM_001126336.3); c.8873C>T (NM_004385.4); short protein forms T1971I, T2958I.
Identifiers: ClinVar variation 1124568 (VCV001124568.13), dbSNP rs148263424, ClinGen allele CA3333869.